The following is an entry in ClinVar:

NM_207122.2(EXT2):c.130C>T (p.Gln44Ter)

Gene: EXT2 (exostosin glycosyltransferase 2; plus strand). Cytogenetic location: 11p11.2.
Variant type: single nucleotide variant.
Coding change: c.130C>T on transcript NM_207122.2 (MANE Select); coding-DNA position 130, C replaced by T.
Protein change: p.Gln44Ter; replaces glutamine 44 with a stop codon.
Molecular consequence: nonsense.
Genome position (GRCh38, 1-based): chr11:44,107,842, C>T. VCF-style: chr11-44107842-C-T. GRCh37 (hg19) VCF-style: chr11-44129392-C-T.
Other names: c.229C>T, p.Gln77Ter (NM_000401.3); c.130C>T, p.Gln44Ter (NM_001178083.3, NM_001389628.1, NM_001389630.1); short protein forms Q44*, Q77*.
Identifiers: ClinVar variation 3765847 (VCV003765847.1).

ClinVar aggregate classification (germline): Pathogenic (1 of 4 stars; one submission).

Conditions:
EXT2-related disorder. Also called: EXT2-related condition.

Submission:

Greenwood Genetic Center Diagnostic Laboratories, Greenwood Genetic Center
Classification: Pathogenic for EXT2-related disorder. Last evaluated: 2024-12-30. Review status: criteria provided, single submitter. Criteria: ACMG Guidelines, 2015. Collection method: clinical testing. Allele origin: germline. Affected: yes.
Comment: PVS1, PS2, PS4_Supporting, PM2